The following is an entry in ClinVar:

ClinVar aggregate classification (germline): Likely benign (0 of 4 stars; one submission).

Conditions:
RABL3-related disorder. Also called: RABL3-related condition.

Allele frequency attached by ClinVar (database versions not stated): gnomAD exomes below 0.00001.
gnomAD v4.1: 1 of 1,594,102 alleles (0.000063%); highest among the groups gnomAD compares: Middle Eastern, 0.017%; no homozygotes.

Submission:

PreventionGenetics, part of Exact Sciences
Classification: Likely benign for RABL3-related condition. Last evaluated: 2023-12-20. Review status: no assertion criteria provided. Collection method: clinical testing. Allele origin: germline.
Comment: This variant is classified as likely benign based on ACMG/AMP sequence variant interpretation guidelines (Richards et al. 2015 PMID: 25741868, with internal and published modifications).

NM_173825.5(RABL3):c.279C>T (p.Phe93=)

Gene: RABL3 (RAB, member of RAS oncogene family like 3; minus strand). Cytogenetic location: 3q13.33.
Variant type: single nucleotide variant.
Coding change: c.279C>T on transcript NM_173825.5 (MANE Select); coding-DNA position 279, C replaced by T.
Protein change: p.Phe93=; no amino-acid change (phenylalanine 93 retained).
Molecular consequence: synonymous variant. On other transcripts: non-coding transcript variant (1).
Genome position (GRCh38, 1-based): chr3:120,706,104, G>A on the plus strand (C>T on the coding strand, the complement: RABL3 is on the minus strand). VCF-style: chr3-120706104-G-A. GRCh37 (hg19) VCF-style: chr3-120424951-G-A.
Other names: c.279C>T, p.Phe93= (NM_001363964.1, NM_001363965.1).
Identifiers: ClinVar variation 3057478 (VCV003057478.2), dbSNP rs1708545909, ClinGen allele CA435234272.